The following is an entry in ClinVar:

NM_001110556.2(FLNA):c.1288G>A (p.Val430Ile)

Gene: FLNA (filamin A; minus strand). Cytogenetic location: Xq28.
Variant type: single nucleotide variant.
Coding change: c.1288G>A on transcript NM_001110556.2 (MANE Select); coding-DNA position 1288, G replaced by A.
Protein change: p.Val430Ile; replaces valine 430 with isoleucine.
Molecular consequence: missense variant.
Genome position (GRCh38, 1-based): chrX:154,366,165, C>T on the plus strand (G>A on the coding strand, the complement: FLNA is on the minus strand). VCF-style: chrX-154366165-C-T. GRCh37 (hg19) VCF-style: chrX-153594533-C-T.
Other names: c.1288G>A, p.Val430Ile (NM_001456.4); short protein forms V430I.
Identifiers: ClinVar variation 1310233 (VCV001310233.9), dbSNP rs1557179208, ClinGen allele CA415243901.

ClinVar aggregate classification (germline): Conflicting classifications of pathogenicity. Review status: criteria provided, conflicting classifications (1 of 4 stars). 2 submissions from 2 submitters: Uncertain significance (1); Benign (1). Last evaluated 2024-02-22.

Conditions:
Melnick-Needles syndrome (MNS). Also called: MELNICK-NEEDLES OSTEODYSPLASTY; OSTEODYSPLASTY OF MELNICK AND NEEDLES; Melnick-Needles Syndrome (FLNA-MNS). Identifiers: Orphanet 2484, MedGen C0025237, MONDO:0010650, OMIM 309350.
Frontometaphyseal dysplasia (FMD1). Identifiers: MONDO:0015942, Orphanet 1826, MedGen C0265293.
Oto-palato-digital syndrome, type II (OPD2). Also called: Otopalatodigital Syndrome, Type II; FACIOPALATOOSSEOUS SYNDROME; OPD II SYNDROME; Otopalatodigital Syndrome Type 2 (FLNA-OPD2). Identifiers: Orphanet 669, Orphanet 90652, MedGen C1844696, MONDO:0010571, OMIM 304120.
Heterotopia, periventricular, X-linked dominant (PVNH1). Also called: X-linked periventricular heterotopia; PERIVENTRICULAR NODULAR HETEROTOPIA 4; HETEROTOPIA, PERIVENTRICULAR, 1; PERIVENTRICULAR NODULAR HETEROTOPIA 1. Identifiers: Orphanet 2149, Orphanet 82004, MedGen C1848213, MONDO:0010233, OMIM 300049.

Allele frequency attached by ClinVar (database versions not stated): gnomAD exomes below 0.00001 and 0.00001.
gnomAD v4.1: 1 of 1,210,694 alleles (0.000083%); highest among the groups gnomAD compares: Admixed American, 0.0022%; no homozygotes.

Submissions (2):

Labcorp Genetics (formerly Invitae), Labcorp
Classification: Benign for Oto-palato-digital syndrome, type II; Heterotopia, periventricular, X-linked dominant; Frontometaphyseal dysplasia; Melnick-Needles syndrome. Last evaluated: 2024-02-22. Review status: criteria provided, single submitter. Criteria: Invitae Variant Classification Sherloc (09022015). Collection method: clinical testing. Allele origin: germline.

GeneDx
Classification: Uncertain significance. Last evaluated: 2019-11-13. Review status: criteria provided, single submitter. Criteria: GeneDx Variant Classification Process June 2021. Collection method: clinical testing. Allele origin: germline. Affected: yes.
Comment: In silico analysis, which includes protein predictors and evolutionary conservation, supports that this variant does not alter protein structure/function; Has not been previously published as pathogenic or benign to our knowledge